The following is an entry in ClinVar:

ClinVar aggregate classification (germline): Uncertain significance (1 of 4 stars; one submission).

Allele frequency attached by ClinVar (database versions not stated): gnomAD exomes below 0.00001.
gnomAD v4.1: 1 of 1,208,307 alleles (0.000083%); highest among the groups gnomAD compares: Non-Finnish European, 0.00011%; no homozygotes.

Submission:

CeGaT Center for Human Genetics Tuebingen
Classification: Uncertain significance. Last evaluated: 2023-04-01. Review status: criteria provided, single submitter. Criteria: CeGaT Center For Human Genetics Tuebingen Variant Classification Criteria Version 2. Collection method: clinical testing. Allele origin: germline. Affected: yes. Observed: 1 variant allele.
Comment: MAOA: PM2, BP4

NM_000240.4(MAOA):c.476A>G (p.Glu159Gly)

Gene: MAOA (monoamine oxidase A; plus strand). Cytogenetic location: Xp11.3.
Variant type: single nucleotide variant.
Coding change: c.476A>G on transcript NM_000240.4 (MANE Select); coding-DNA position 476, A replaced by G.
Protein change: p.Glu159Gly; replaces glutamic acid 159 with glycine.
Molecular consequence: missense variant.
Genome position (GRCh38, 1-based): chrX:43,712,769, A>G. VCF-style: chrX-43712769-A-G. GRCh37 (hg19) VCF-style: chrX-43572016-A-G.
Other names: c.77A>G, p.Glu26Gly (NM_001270458.2); short protein forms E159G, E26G.
Identifiers: ClinVar variation 2571365 (VCV002571365.27), dbSNP rs2519145529, ClinGen allele CA413005186.